The following is an entry in ClinVar:

NM_001482.3(GATM):c.965G>C (p.Arg322Pro)

Gene: GATM (glycine amidinotransferase; minus strand). Cytogenetic location: 15q21.1.
Variant type: single nucleotide variant.
Coding change: c.965G>C on transcript NM_001482.3 (MANE Select); coding-DNA position 965, G replaced by C.
Protein change: p.Arg322Pro; replaces arginine 322 with proline.
Molecular consequence: missense variant.
Genome position (GRCh38, 1-based): chr15:45,366,059, C>G on the plus strand (G>C on the coding strand, the complement: GATM is on the minus strand). VCF-style: chr15-45366059-C-G. GRCh37 (hg19) VCF-style: chr15-45658257-C-G.
Other names: c.578G>C, p.Arg193Pro (NM_001321015.2); short protein forms R193P, R322P.
Identifiers: ClinVar variation 1702865 (VCV001702865.3), dbSNP rs1325460408, ClinGen allele CA392257472.

ClinVar aggregate classification (germline): Likely pathogenic (0 of 4 stars; one submission).

Conditions:
Fanconi renotubular syndrome 1. Also called: Toni-Debre-Fanconi syndrome; Neonatal De Toni-Debre-Fanconi syndrome; De Toni-Fanconi syndrome; LUDER-SHELDON SYNDROME; FRTS1. Identifiers: MedGen C4551503, MONDO:0024525, OMIM 134600.

Submission:

Broad Center for Mendelian Genomics, Broad Institute of MIT and Harvard
Classification: Likely pathogenic for Fanconi renotubular syndrome 1. Last evaluated: 2022-08-24. Review status: no assertion criteria provided. Collection method: clinical testing. Allele origin: maternal. Inheritance: Autosomal dominant inheritance. Affected: yes. Observed: 1 heterozygote.
Comment: Four heterozygous variants in GATM, p.(Pro320Ser), p.(Thr336Ala), p.(Thre336Ile) and p.(Pro341Leu), have previously been described as pathogenic for renal Fanconi syndrome with progression to kidney failure (Reichold et al JASN). All 4 variants were fully penetrant and clustered on conserved proline and threonine residues representing <5% of the protein. We identified a novel variant in GATM p.(Arg322Pro), segregating in an affected mother-daughter pair with idiopathic RFS. This variant is two amino acids downstream of a previously described pathogenic variant, p.(Pro320Ser). We perfomed molecular dynamics simulations which support pathogenicity of our novel variant through a consistent dynamic signature to pathogenic variants identified by Reichold et al.

Literature cited by the submitters: PubMed 29654216.